The following is an entry in ClinVar:

ClinVar aggregate classification (germline): Uncertain significance (1 of 4 stars; one submission).

Conditions:
Autosomal recessive limb-girdle muscular dystrophy type 2Y (MRRSDC). Also called: Muscular dystrophy, autosomal recessive, with rigid spine and distal joint contractures; Muscular dystrophy, limb-girdle, type 2y. Identifiers: Orphanet 424261, MedGen C4511482, MONDO:0014900, OMIM 617072.

Allele frequency attached by ClinVar (database versions not stated): gnomAD exomes 0.00001 and 0.00002; gnomAD 0.00002; TOPMed 0.00002; ESP Exome Variant Server 0.00008.
gnomAD v4.1: 28 of 1,613,264 alleles (0.0017%); highest among the groups gnomAD compares: Non-Finnish European, 0.0022%; no homozygotes.

Submission:

Labcorp Genetics (formerly Invitae), Labcorp
Classification: Uncertain significance for Autosomal recessive limb-girdle muscular dystrophy type 2Y. Last evaluated: 2022-10-05. Review status: criteria provided, single submitter. Criteria: Invitae Variant Classification Sherloc (09022015). Collection method: clinical testing. Allele origin: germline.
Comment: This sequence change replaces alanine, which is neutral and non-polar, with valine, which is neutral and non-polar, at codon 296 of the TOR1AIP1 protein (p.Ala296Val). This variant is present in population databases (rs147648930, gnomAD 0.0009%). This variant has not been reported in the literature in individuals affected with TOR1AIP1-related conditions. ClinVar contains an entry for this variant (Variation ID: 839729). Advanced modeling of protein sequence and biophysical properties (such as structural, functional, and spatial information, amino acid conservation, physicochemical variation, residue mobility, and thermodynamic stability) performed at Invitae indicates that this missense variant is not expected to disrupt TOR1AIP1 protein function. Algorithms developed to predict the effect of sequence changes on RNA splicing suggest that this variant may create or strengthen a splice site. In summary, the available evidence is currently insufficient to determine the role of this variant in disease. Therefore, it has been classified as a Variant of Uncertain Significance.

NM_015602.4(TOR1AIP1):c.884C>T (p.Ala295Val)

Gene: TOR1AIP1 (torsin 1A interacting protein 1; plus strand). Cytogenetic location: 1q25.2.
Variant type: single nucleotide variant.
Coding change: c.884C>T on transcript NM_015602.4 (MANE Select); coding-DNA position 884, C replaced by T.
Protein change: p.Ala295Val; replaces alanine 295 with valine.
Molecular consequence: missense variant.
Genome position (GRCh38, 1-based): chr1:179,908,650, C>T. VCF-style: chr1-179908650-C-T. GRCh37 (hg19) VCF-style: chr1-179877785-C-T.
Other names: c.887C>T, p.Ala296Val (NM_001267578.2); short protein forms A295V, A296V.
Identifiers: ClinVar variation 839729 (VCV000839729.4), dbSNP rs147648930, ClinGen allele CA33684326.